The following is an entry in ClinVar:

NM_001159699.2(FHL1):c.148A>C (p.Lys50Gln)

Gene: FHL1 (four and a half LIM domains 1; plus strand). Cytogenetic location: Xq26.3.
Variant type: single nucleotide variant.
Coding change: c.148A>C on transcript NM_001159699.2 (MANE Select); coding-DNA position 148, A replaced by C.
Protein change: p.Lys50Gln; replaces lysine 50 with glutamine.
Molecular consequence: missense variant. On other transcripts: non-coding transcript variant (1).
Genome position (GRCh38, 1-based): chrX:136,206,532, A>C. VCF-style: chrX-136206532-A-C. GRCh37 (hg19) VCF-style: chrX-135288691-A-C.
Other names: c.100A>C, p.Lys34Gln (NM_001159700.2, NM_001159702.3, NM_001159703.2 and 9 more transcripts); c.187A>C, p.Lys63Gln (NM_001159701.2); c.148A>C, p.Lys50Gln (NM_001330659.2); c.100A>C (NM_001449.4); short protein forms K34Q, K50Q, K63Q.
Identifiers: ClinVar variation 1437619 (VCV001437619.7), dbSNP rs754421860, ClinGen allele CA336093911.

ClinVar aggregate classification (germline): Uncertain significance. Review status: criteria provided, multiple submitters, no conflicts (2 of 4 stars). 3 submissions from 3 submitters: Uncertain significance (3). Last evaluated 2025-06-03.

Conditions:
X-linked myopathy with postural muscle atrophy. Also called: FHL1-Related Emery-Dreifuss Muscular Dystrophy, X-Linked. Identifiers: Orphanet 178461, MedGen C2678055, MONDO:0010401, OMIM 300696.
Cardiovascular phenotype. Identifiers: MedGen CN230736.

Allele frequency attached by ClinVar (database versions not stated): gnomAD exomes 0.00001.
gnomAD v4.1: 8 of 1,212,343 alleles (0.00066%); highest among the groups gnomAD compares: Non-Finnish European, 0.00089%; no homozygotes.

Submissions (3):

Ambry Genetics
Classification: Uncertain significance for Cardiovascular phenotype. Last evaluated: 2025-06-03. Review status: criteria provided, single submitter. Criteria: Ambry Variant Classification Scheme 2023. Collection method: clinical testing. Allele origin: germline.

Labcorp Genetics (formerly Invitae), Labcorp
Classification: Uncertain significance for X-linked myopathy with postural muscle atrophy. Last evaluated: 2024-04-03. Review status: criteria provided, single submitter. Criteria: Invitae Variant Classification Sherloc (09022015). Collection method: clinical testing. Allele origin: germline.
Comment: This sequence change replaces lysine, which is basic and polar, with glutamine, which is neutral and polar, at codon 34 of the FHL1 protein (p.Lys34Gln). This variant is not present in population databases (gnomAD no frequency). This variant has not been reported in the literature in individuals affected with FHL1-related conditions. ClinVar contains an entry for this variant (Variation ID: 1437619). An algorithm developed to predict the effect of missense changes on protein structure and function (PolyPhen-2) suggests that this variant is likely to be tolerated. In summary, the available evidence is currently insufficient to determine the role of this variant in disease. Therefore, it has been classified as a Variant of Uncertain Significance.

Blueprint Genetics
Classification: Uncertain significance. Last evaluated: 2024-02-08. Review status: criteria provided, single submitter. Criteria: ACMG Guidelines, 2015. Collection method: clinical testing. Allele origin: germline.